The following is an entry in ClinVar:

ClinVar aggregate classification (germline): Likely benign (1 of 4 stars; one submission).

Conditions:
GUSB-related disorder. Also called: GUSB-related condition.

Submission:

PreventionGenetics, part of Exact Sciences
Classification: Likely benign for GUSB-related condition. Last evaluated: 2025-09-10. Review status: criteria provided, single submitter. Criteria: ACMG Guidelines, 2015. Collection method: clinical testing. Allele origin: germline.
Comment: This variant is classified as likely benign based on ACMG/AMP sequence variant interpretation guidelines (Richards et al. 2015 PMID: 25741868, with internal and published modifications).

NM_000181.4(GUSB):c.1391+610_1391+611del

Gene: GUSB (glucuronidase beta; minus strand). Cytogenetic location: 7q11.21.
Variant type: Deletion.
Coding change: c.1391+610_1391+611del on transcript NM_000181.4 (MANE Select); bases 610 to 611 of the intron after coding-DNA position 1391, 2 bases deleted (GC; older notation c.1391+610_1391+611delGC).
Molecular consequence: intron variant.
Genome position (GRCh38, 1-based): chr7:65,973,684-65,973,685, GC deleted on the plus strand (GC on the coding strand, the reverse complement: GUSB is on the minus strand); deleting any 2 consecutive bases within chr7:65,973,684-65,973,686 gives the same sequence; the c. name uses the placement nearest the transcript's 3' end. VCF-style (leftmost placement, unchanged base first): chr7-65973683-AGC-A. GRCh37 (hg19) VCF-style: chr7-65438670-AGC-A.
Other names: c.734+610_734+611del (NM_001293105.2); c.821+610_821+611del (NM_001293104.2); c.953+610_953+611del (NM_001284290.2).
Identifiers: ClinVar variation 4981633 (VCV004981633.1).